The following is an entry in ClinVar:

NM_031935.3(HMCN1):c.15808T>C (p.Cys5270Arg)

Gene: HMCN1 (hemicentin 1; plus strand). Cytogenetic location: 1q31.1.
Variant type: single nucleotide variant.
Coding change: c.15808T>C on transcript NM_031935.3 (MANE Select); coding-DNA position 15808, T replaced by C.
Protein change: p.Cys5270Arg; replaces cysteine 5270 with arginine.
Molecular consequence: missense variant.
Genome position (GRCh38, 1-based): chr1:186,172,125, T>C. VCF-style: chr1-186172125-T-C. GRCh37 (hg19) VCF-style: chr1-186141257-T-C.
Other names: c.15808T>C (NM_031935.2); short protein forms C5270R.
Identifiers: ClinVar variation 2190657 (VCV002190657.6), dbSNP rs367968269, ClinGen allele CA1295375.

ClinVar aggregate classification (germline): Uncertain significance. Review status: criteria provided, multiple submitters, no conflicts (2 of 4 stars). 3 submissions from 3 submitters: Uncertain significance (3). Last evaluated 2025-09-26.

Conditions:
Age related macular degeneration 1 (ARMD1). Also called: MACULOPATHY, AGE-RELATED, 1. Identifiers: MedGen C1864205, MONDO:0011285, OMIM 603075.

Allele frequency attached by ClinVar (database versions not stated): ExAC 0.00007; ESP Exome Variant Server 0.00008; gnomAD 0.00011; gnomAD exomes 0.00016; TOPMed 0.00016.
gnomAD v4.1: 240 of 1,613,628 alleles (0.015%); highest among the groups gnomAD compares: Non-Finnish European, 0.019%; 1 homozygote.

Submissions (3):

Labcorp Genetics (formerly Invitae), Labcorp
Classification: Uncertain significance. Last evaluated: 2025-09-26. Review status: criteria provided, single submitter. Criteria: Invitae Variant Classification Sherloc (09022015). Collection method: clinical testing. Allele origin: germline.
Comment: This sequence change replaces cysteine, which is neutral and slightly polar, with arginine, which is basic and polar, at codon 5270 of the HMCN1 protein (p.Cys5270Arg). This variant is present in population databases (rs367968269, gnomAD 0.02%). This variant has not been reported in the literature in individuals affected with HMCN1-related conditions. ClinVar contains an entry for this variant (Variation ID: 2190657). An algorithm developed to predict the effect of missense changes on protein structure and function (PolyPhen-2) suggests that this variant is likely to be disruptive. In summary, the available evidence is currently insufficient to determine the role of this variant in disease. Therefore, it has been classified as a Variant of Uncertain Significance.

Genome-Nilou Lab
Classification: Uncertain significance for Age related macular degeneration 1. Last evaluated: 2023-04-11. Review status: criteria provided, single submitter. Criteria: ACMG Guidelines, 2015. Collection method: clinical testing. Allele origin: germline. Affected: no.

Ambry Genetics
Classification: Uncertain significance. Last evaluated: 2021-10-12. Review status: criteria provided, single submitter. Criteria: Ambry Variant Classification Scheme 2023. Collection method: clinical testing. Allele origin: germline.